The following is an entry in ClinVar:

NM_024408.4(NOTCH2):c.6062G>A (p.Gly2021Glu)

Gene: NOTCH2 (notch receptor 2; minus strand). Cytogenetic location: 1p12.
Variant type: single nucleotide variant.
Coding change: c.6062G>A on transcript NM_024408.4 (MANE Select); coding-DNA position 6062, G replaced by A.
Protein change: p.Gly2021Glu; replaces glycine 2021 with glutamic acid.
Molecular consequence: missense variant.
Genome position (GRCh38, 1-based): chr1:119,916,660, C>T on the plus strand (G>A on the coding strand, the complement: NOTCH2 is on the minus strand). VCF-style: chr1-119916660-C-T. GRCh37 (hg19) VCF-style: chr1-120459283-C-T.
Other names: short protein forms G2021E.
Identifiers: ClinVar variation 3657575 (VCV003657575.2).

ClinVar aggregate classification (germline): Uncertain significance (1 of 4 stars; one submission).

Conditions:
Hajdu-Cheney syndrome (HJCYS). Also called: Acroosteolysis dominant type; ACROOSTEOLYSIS WITH OSTEOPOROSIS AND CHANGES IN SKULL AND MANDIBLE; SERPENTINE FIBULA-POLYCYSTIC KIDNEY SYNDROME. Identifiers: Orphanet 955, MedGen C0917715, MONDO:0007057, OMIM 102500.

Submission:

Labcorp Genetics (formerly Invitae), Labcorp
Classification: Uncertain significance for Hajdu-Cheney syndrome. Last evaluated: 2024-06-23. Review status: criteria provided, single submitter. Criteria: Invitae Variant Classification Sherloc (09022015). Collection method: clinical testing. Allele origin: germline.
Comment: This sequence change replaces glycine, which is neutral and non-polar, with glutamic acid, which is acidic and polar, at codon 2021 of the NOTCH2 protein (p.Gly2021Glu). This variant is not present in population databases (gnomAD no frequency). This variant has not been reported in the literature in individuals affected with NOTCH2-related conditions. Advanced modeling of protein sequence and biophysical properties (such as structural, functional, and spatial information, amino acid conservation, physicochemical variation, residue mobility, and thermodynamic stability) has been performed at Invitae for this missense variant, however the output from this modeling did not meet the statistical confidence thresholds required to predict the impact of this variant on NOTCH2 protein function. In summary, the available evidence is currently insufficient to determine the role of this variant in disease. Therefore, it has been classified as a Variant of Uncertain Significance.